The following is an entry in ClinVar:

NM_017934.7(PHIP):c.3853-13T>G

Genes: IRAK1BP1 (interleukin 1 receptor associated kinase 1 binding protein 1; plus strand), PHIP (PHIP subunit of CUL4-Ring ligase complex; minus strand). Cytogenetic location: 6q14.1.
Variant type: single nucleotide variant.
Coding change: c.3853-13T>G on transcript NM_017934.7 (MANE Select); 13 bases into the intron before coding-DNA position 3853, T replaced by G.
Molecular consequence: intron variant.
Genome position (GRCh38, 1-based): chr6:78,955,295, A>C on the plus strand (T>G on the coding strand, the complement: PHIP is on the minus strand). VCF-style: chr6-78955295-A-C. GRCh37 (hg19) VCF-style: chr6-79665012-A-C.
Identifiers: ClinVar variation 1800637 (VCV001800637.1), dbSNP rs2481835486, ClinGen allele CA2580075857.

ClinVar aggregate classification (germline): Uncertain significance (1 of 4 stars; one submission).

Allele frequency attached by ClinVar (database versions not stated): gnomAD exomes below 0.00001.
gnomAD v4.1: 1 of 1,589,138 alleles (0.000063%); highest among the groups gnomAD compares: South Asian, 0.0011%; no homozygotes.

Submission:

GeneDx
Classification: Uncertain significance. Last evaluated: 2022-05-17. Review status: criteria provided, single submitter. Criteria: GeneDx Variant Classification Process June 2021. Collection method: clinical testing. Allele origin: germline. Affected: yes.
Comment: Not observed at significant frequency in large population cohorts (gnomAD); Has not been previously published as pathogenic or benign to our knowledge; In-silico analysis is inconclusive as to whether the variant alters gene splicing. In the absence of RNA/functional studies, the actual effect of this sequence change is unknown.